The following is an entry in ClinVar:

NM_000441.2(SLC26A4):c.74dup (p.Val26fs)

Genes: SLC26A4 (solute carrier family 26 member 4; plus strand), SLC26A4-AS1 (SLC26A4 antisense RNA 1; minus strand). Cytogenetic location: 7q22.3.
Variant type: Duplication.
Coding change: c.74dup on transcript NM_000441.2 (MANE Select); coding-DNA position 74, one base duplicated (C; older notation c.74dupC).
Protein change: p.Val26fs; shifts the reading frame from valine 26.
Molecular consequence: frameshift variant. On other transcripts: non-coding transcript variant (1).
Genome position (GRCh38, 1-based): chr7:107,661,715, C duplicated; the last of 2 consecutive C bases (chr7:107,661,714-107,661,715); duplicating either gives the same sequence. VCF-style (leftmost placement, unchanged base first): chr7-107661713-G-GC. GRCh37 (hg19) VCF-style: chr7-107302158-G-GC.
Other names: short protein forms V26fs.
Identifiers: ClinVar variation 5012096 (VCV005012096.1).

ClinVar aggregate classification (germline): Pathogenic (1 of 4 stars; one submission).

Conditions:
Pendred syndrome (PDS). Also called: DEAFNESS WITH GOITER; GOITER-DEAFNESS SYNDROME; HYPOTHYROIDISM, CONGENITAL, DUE TO DYSHORMONOGENESIS, 2B; THYROID DYSHORMONOGENESIS 2B; THYROID HORMONOGENESIS, GENETIC DEFECT IN, 2B; Pendred's syndrome. Identifiers: Orphanet 705, MedGen C0271829, MONDO:0010134, OMIM 274600.

Submission:

Myriad Genetics, Inc.
Classification: Pathogenic for Pendred syndrome. Last evaluated: 2023-09-27. Review status: criteria provided, single submitter. Criteria: Myriad Autosomal Dominant, Autosomal Recessive and X-Linked Classification Criteria (2023). Collection method: clinical testing. Allele origin: unknown.
Comment: NM_000441.1(SLC26A4):c.74dupC(V26Gfs*61) is expected to be pathogenic in the context of Pendred syndrome. This variant is predicted to lead to an abnormal or absent protein product due to the creation of a premature termination codon in SLC26A4, a gene where loss-of-function variants are known to be pathogenic. Please note: this variant was assessed in the context of healthy population screening.